The following is an entry in ClinVar:

ClinVar aggregate classification (germline): Likely benign. Review status: criteria provided, multiple submitters, no conflicts (2 of 4 stars). 6 submissions from 6 submitters: Likely benign (6). Last evaluated 2026-04-03.

Conditions:
Hypertrophic cardiomyopathy. Also called: HYPERTROPHIC MYOCARDIOPATHY. Identifiers: Orphanet 217569, MedGen C0007194, MeSH D002312, MONDO:0005045, HP:0001639.
ACTC1-related disorder. Also called: ACTC1-related condition.
Atrial septal defect 5 (ASD5). Identifiers: Orphanet 1478, MedGen C2748552, MONDO:0013011, OMIM 612794.
Hypertrophic cardiomyopathy 11. Also called: ACTC1-Related Familial Hypertrophic Cardiomyopathy. Identifiers: MedGen C2677506, MONDO:0012799, OMIM 612098.
Dilated cardiomyopathy 1R (CMD1R). Identifiers: Orphanet 154, Orphanet 54260, MedGen C3150681, MONDO:0013261, OMIM 613424.
Cardiomyopathy (CMYO). Also called: Cardiomyopathies. Identifiers: Orphanet 167848, MedGen C0878544, MONDO:0004994, HP:0001638. Inheritance: Various modes of inheritance.

Allele frequency attached by ClinVar (database versions not stated): gnomAD exomes 0.00001; TOPMed 0.00001; ExAC 0.00002.
gnomAD v4.1: 11 of 1,534,000 alleles (0.00072%); highest among the groups gnomAD compares: African/African-American, 0.0031%; no homozygotes.

Submissions (6):

PreventionGenetics, part of Exact Sciences
Classification: Likely benign for ACTC1-related condition. Last evaluated: 2026-04-03. Review status: criteria provided, single submitter. Criteria: ACMG Guidelines, 2015. Collection method: clinical testing. Allele origin: germline.
Comment: This variant is classified as likely benign based on ACMG/AMP sequence variant interpretation guidelines (Richards et al. 2015 PMID: 25741868, with internal and published modifications).

Labcorp Genetics (formerly Invitae), Labcorp
Classification: Likely benign for Dilated cardiomyopathy 1R; Hypertrophic cardiomyopathy 11; Atrial septal defect 5. Last evaluated: 2025-07-23. Review status: criteria provided, single submitter. Criteria: Invitae Variant Classification Sherloc (09022015). Collection method: clinical testing. Allele origin: germline.

Blueprint Genetics
Classification: Likely benign. Last evaluated: 2024-09-26. Review status: criteria provided, single submitter. Criteria: ACMG Guidelines, 2015. Collection method: clinical testing. Allele origin: germline.

All of Us Research Program, National Institutes of Health
Classification: Likely benign for Hypertrophic cardiomyopathy. Last evaluated: 2024-02-05. Review status: criteria provided, single submitter. Criteria: ACMG Guidelines, 2015. Collection method: clinical testing. Allele origin: germline. Inheritance: Autosomal dominant inheritance. Observed: 5 variant alleles, 5 heterozygotes.
Comment: This study involves interpretation of variants in research participants for the purpose of population health screening. Participant phenotype was not available at the time of variant classification. Additional details can be found in publication PMID: 35346344, PMCID: PMC8962531

Color Diagnostics, LLC DBA Color Health
Classification: Likely benign for Cardiomyopathy. Last evaluated: 2019-11-24. Review status: criteria provided, single submitter. Criteria: ACMG Guidelines, 2015. Collection method: clinical testing. Allele origin: germline.

Breakthrough Genomics
Classification: Likely benign. Review status: criteria provided, single submitter. Criteria: ACMG Guidelines, 2015. Collection method: not provided. Allele origin: germline. Inheritance: Autosomal dominant inheritance. Affected: yes.

NM_005159.5(ACTC1):c.809-9C>T

Genes: ACTC1 (actin alpha cardiac muscle 1; minus strand), GJD2-DT (GJD2 divergent transcript; plus strand). Cytogenetic location: 15q14.
Variant type: single nucleotide variant.
Coding change: c.809-9C>T on transcript NM_005159.5 (MANE Select); 9 bases into the intron before coding-DNA position 809, C replaced by T.
Molecular consequence: intron variant.
Genome position (GRCh38, 1-based): chr15:34,791,304, G>A on the plus strand (C>T on the coding strand, the complement: ACTC1 is on the minus strand). VCF-style: chr15-34791304-G-A. GRCh37 (hg19) VCF-style: chr15-35083505-G-A.
Identifiers: ClinVar variation 925106 (VCV000925106.13), dbSNP rs752499457, ClinGen allele CA042903.
Genomic context (GRCh38, chr15:34,791,304, plus strand): 5'-CACTTCATGATGCTATTGTAAGTTGTTTCATGGATGCCAGCAGATTCCATACCTGGGAAC[G>A]AGTCACACACACACACACACACACACACACACACACACACACACACACATCACAGTGCAT-3'